The following is an entry in ClinVar:

ClinVar aggregate classification (germline): Uncertain significance (1 of 4 stars; one submission).

Conditions:
Mucopolysaccharidosis, MPS-III-C (MPS3C). Also called: SANFILIPPO SYNDROME C; MPS III C; mucopolysaccharidosis type 3C; MUCOPOLYSACCHARIDOSIS, TYPE IIIC; MPS IIIC (Sanfilippo Syndrome Type C); Mucopolysaccharidosis type IIIC (Sanfilippo C). Identifiers: Orphanet 581, Orphanet 79271, MedGen C0086649, MONDO:0009657, OMIM 252930.
Retinitis pigmentosa 73 (RP73). Identifiers: Orphanet 791, MedGen C4225287, MONDO:0014687, OMIM 616544.

Allele frequency attached by ClinVar (database versions not stated): gnomAD exomes below 0.00001; gnomAD 0.00003; TOPMed 0.00003.
gnomAD v4.1: 10 of 1,610,954 alleles (0.00062%); highest among the groups gnomAD compares: African/African-American, 0.0027%; no homozygotes.

Submission:

Labcorp Genetics (formerly Invitae), Labcorp
Classification: Uncertain significance for Retinitis pigmentosa 73; Mucopolysaccharidosis, MPS-III-C. Last evaluated: 2021-12-24. Review status: criteria provided, single submitter. Criteria: Invitae Variant Classification Sherloc (09022015). Collection method: clinical testing. Allele origin: germline.
Comment: This sequence change falls in intron 16 of the HGSNAT gene. It does not directly change the encoded amino acid sequence of the HGSNAT protein. It affects a nucleotide within the consensus splice site. This variant is present in population databases (no rsID available, gnomAD 0.007%). This variant has not been reported in the literature in individuals affected with HGSNAT-related conditions. Variants that disrupt the consensus splice site are a relatively common cause of aberrant splicing (PMID: 17576681, 9536098). Algorithms developed to predict the effect of sequence changes on RNA splicing suggest that this variant may disrupt the consensus splice site. In summary, the available evidence is currently insufficient to determine the role of this variant in disease. Therefore, it has been classified as a Variant of Uncertain Significance.

Literature cited by the submitters: PubMed 17576681; PubMed 9536098.

NM_152419.3(HGSNAT):c.1613+5G>A

Gene: HGSNAT (heparan-alpha-glucosaminide N-acetyltransferase; plus strand). Cytogenetic location: 8p11.21.
Variant type: single nucleotide variant.
Coding change: c.1613+5G>A on transcript NM_152419.3 (MANE Select); 5 bases into the intron after coding-DNA position 1613, G replaced by A.
Molecular consequence: intron variant.
Genome position (GRCh38, 1-based): chr8:43,197,747, G>A. VCF-style: chr8-43197747-G-A. GRCh37 (hg19) VCF-style: chr8-43052890-G-A.
Other names: c.1700+5G>A (NM_001363227.2); c.749+5G>A (NM_001363229.2); c.1421+5G>A (NM_001363228.2).
Identifiers: ClinVar variation 2140716 (VCV002140716.1), dbSNP rs1006315684, ClinGen allele CA176076063.
Genomic context (GRCh38, chr8:43,197,747, plus strand): 5'-GCTCTGACGAAGGTTTCTGAAAATGAAGGCTTTATTCCAGTAAACAAAAATCTCTGGTAT[G>A]TATGGAAAAAGCATGATTTTATGGATGACTGTTCATGCTGAAATTGGATTTGTTCCGTAC-3'